The following is an entry in ClinVar:

ClinVar aggregate classification (germline): Uncertain significance. Review status: criteria provided, multiple submitters, no conflicts (2 of 4 stars). 2 submissions from 2 submitters: Uncertain significance (2). Last evaluated 2024-12-22.

Conditions:
Hereditary cancer-predisposing syndrome. Also called: Tumor predisposition; Hereditary Cancer Syndrome; Hereditary neoplastic syndrome; Neoplastic Syndromes, Hereditary. Identifiers: Orphanet 140162, MedGen C0027672, MeSH D009386, MONDO:0015356.
Ataxia-telangiectasia syndrome (AT). Also called: ATAXIA-TELANGIECTASIA, COMPLEMENTATION GROUP A; ATAXIA-TELANGIECTASIA, FRESNO VARIANT; Ataxia-telangiectasia; Ataxia-telangiectasia, complementation group E; LOUIS-BAR SYNDROME; Cerebello-oculocutaneous telangiectasia. Identifiers: Orphanet 100, MedGen C0004135, MONDO:0008840, OMIM 208900.

Submissions (2):

Ambry Genetics
Classification: Uncertain significance for Hereditary cancer-predisposing syndrome. Last evaluated: 2024-12-22. Review status: criteria provided, single submitter. Criteria: Ambry Variant Classification Scheme 2023. Collection method: clinical testing. Allele origin: germline.
Comment: The p.E2950Q variant (also known as c.8848G>C), located in coding exon 60 of the ATM gene, results from a G to C substitution at nucleotide position 8848. The glutamic acid at codon 2950 is replaced by glutamine, an amino acid with highly similar properties. This amino acid position is conserved. In addition, this alteration is predicted to be deleterious by in silico analysis. Based on the available evidence, the clinical significance of this variant remains unclear.

Labcorp Genetics (formerly Invitae), Labcorp
Classification: Uncertain significance for Ataxia-telangiectasia syndrome. Last evaluated: 2024-09-06. Review status: criteria provided, single submitter. Criteria: Invitae Variant Classification Sherloc (09022015). Collection method: clinical testing. Allele origin: germline.
Comment: This sequence change replaces glutamic acid, which is acidic and polar, with glutamine, which is neutral and polar, at codon 2950 of the ATM protein (p.Glu2950Gln). This variant is not present in population databases (gnomAD no frequency). This variant has not been reported in the literature in individuals affected with ATM-related conditions. ClinVar contains an entry for this variant (Variation ID: 2104469). An algorithm developed to predict the effect of missense changes on protein structure and function (PolyPhen-2) suggests that this variant is likely to be disruptive. In summary, the available evidence is currently insufficient to determine the role of this variant in disease. Therefore, it has been classified as a Variant of Uncertain Significance.

NM_000051.4(ATM):c.8848G>C (p.Glu2950Gln)

Genes: ATM (ATM serine/threonine kinase; plus strand), C11orf65 (chromosome 11 open reading frame 65; minus strand). Cytogenetic location: 11q22.3.
Variant type: single nucleotide variant.
Coding change: c.8848G>C on transcript NM_000051.4 (MANE Select); coding-DNA position 8848, G replaced by C.
Protein change: p.Glu2950Gln; replaces glutamic acid 2950 with glutamine.
Molecular consequence: missense variant. On other transcripts: intron variant (2).
Genome position (GRCh38, 1-based): chr11:108,354,872, G>C. VCF-style: chr11-108354872-G-C. GRCh37 (hg19) VCF-style: chr11-108225599-G-C.
Other names: c.8848G>C, p.Glu2950Gln (NM_001351834.2); c.640+31048C>G (NM_001330368.2); c.695-19580C>G (NM_001351110.2); short protein forms E2950Q.
Identifiers: ClinVar variation 2104469 (VCV002104469.4), dbSNP rs898091069, ClinGen allele CA382526103.
Genomic context (GRCh38, chr11:108,354,872, plus strand): 5'-TGCTGTGAGAAAACCATGGAAGTGATGAGAAACTCTCAGGAAACTCTGTTAACCATTGTA[G>C]AGGTAAAGTATTTTATAAGGAAGACTTTATTTTTTTTCTTACCAGGTAGACTGTGTATCT-3'
Protein context (NP_000042.3, residues 2940-2960): NSQETLLTIV[Glu2950Gln]VLLYDPLFDW